The following is an entry in ClinVar:

ClinVar aggregate classification (germline): Uncertain significance (1 of 4 stars; one submission).

Conditions:
Hereditary cancer-predisposing syndrome. Also called: Neoplastic Syndromes, Hereditary; Tumor predisposition; Hereditary Cancer Syndrome; Hereditary neoplastic syndrome. Identifiers: Orphanet 140162, MedGen C0027672, MeSH D009386, MONDO:0015356.

Submission:

Ambry Genetics
Classification: Uncertain significance for Hereditary cancer-predisposing syndrome. Last evaluated: 2023-08-30. Review status: criteria provided, single submitter. Criteria: Ambry Variant Classification Scheme 2023. Collection method: clinical testing. Allele origin: germline.
Comment: The p.D1151E variant (also known as c.3453T>A), located in coding exon 16 of the MET gene, results from a T to A substitution at nucleotide position 3453. The aspartic acid at codon 1151 is replaced by glutamic acid, an amino acid with highly similar properties. This amino acid position is well conserved in available vertebrate species. In addition, this alteration is predicted to be tolerated by in silico analysis. Since supporting evidence is limited at this time, the clinical significance of this alteration remains unclear.

NM_000245.4(MET):c.3399T>A (p.Asp1133Glu)

Gene: MET (MET proto-oncogene, receptor tyrosine kinase; plus strand). Cytogenetic location: 7q31.2.
Variant type: single nucleotide variant.
Coding change: c.3399T>A on transcript NM_000245.4 (MANE Select); coding-DNA position 3399, T replaced by A.
Protein change: p.Asp1133Glu; replaces aspartic acid 1133 with glutamic acid.
Molecular consequence: missense variant.
Genome position (GRCh38, 1-based): chr7:116,778,834, T>A. VCF-style: chr7-116778834-T-A. GRCh37 (hg19) VCF-style: chr7-116418888-T-A.
Other names: c.2109T>A, p.Asp703Glu (NM_001324402.2); c.3453T>A, p.Asp1151Glu (NM_001127500.3); short protein forms D1133E, D1151E, D703E.
Identifiers: ClinVar variation 1731583 (VCV001731583.3), dbSNP rs2117046045, ClinGen allele CA368990069.